The following is an entry in ClinVar:

NM_003626.5(PPFIA1):c.2442A>G (p.Lys814=)

Gene: PPFIA1 (PPFI scaffold protein A1; plus strand). Cytogenetic location: 11q13.3.
Variant type: single nucleotide variant.
Coding change: c.2442A>G on transcript NM_003626.5 (MANE Select); coding-DNA position 2442, A replaced by G.
Protein change: p.Lys814=; no amino-acid change (lysine 814 retained).
Molecular consequence: synonymous variant. On other transcripts: non-coding transcript variant (1).
Genome position (GRCh38, 1-based): chr11:70,355,765, A>G. VCF-style: chr11-70355765-A-G. GRCh37 (hg19) VCF-style: chr11-70201871-A-G.
Other names: c.2547A>G, p.Lys849= (NM_001378006.1); c.2442A>G, p.Lys814= (NM_177423.3).
Identifiers: ClinVar variation 2642066 (VCV002642066.24), dbSNP rs1242268998, ClinGen allele CA475244241.

ClinVar aggregate classification (germline): Likely benign (1 of 4 stars; one submission).

Allele frequency attached by ClinVar (database versions not stated): gnomAD exomes below 0.00001.

Submission:

CeGaT Center for Human Genetics Tuebingen
Classification: Likely benign. Last evaluated: 2026-08-01. Review status: criteria provided, single submitter. Criteria: CeGaT Center For Human Genetics Tuebingen Variant Classification Criteria Version 2. Collection method: clinical testing. Allele origin: germline. Affected: yes. Observed: 6 variant alleles.
Comment: PPFIA1: BP4, BP7